The following is an entry in ClinVar:

NM_004329.3(BMPR1A):c.481del (p.Ala161fs)

Gene: BMPR1A (bone morphogenetic protein receptor type 1A; plus strand). Cytogenetic location: 10q23.2.
Variant type: Deletion.
Coding change: c.481del on transcript NM_004329.3 (MANE Select); coding-DNA position 481, one base deleted (G; older notation c.481delG).
Protein change: p.Ala161fs; shifts the reading frame from alanine 161.
Molecular consequence: frameshift variant.
Genome position (GRCh38, 1-based): chr10:86,900,077, G deleted; the last of 2 consecutive G bases (chr10:86,900,076-86,900,077); deleting either gives the same sequence. VCF-style (leftmost placement, unchanged base first): chr10-86900075-TG-T. GRCh37 (hg19) VCF-style: chr10-88659832-TG-T.
Other names: c.481delG (NM_004329.2); short protein forms A161fs.
Identifiers: ClinVar variation 429092 (VCV000429092.5), dbSNP rs1131691172, ClinGen allele CA645369425.

ClinVar aggregate classification (germline): Pathogenic (1 of 4 stars; one submission).

Conditions:
Hereditary cancer-predisposing syndrome. Also called: Hereditary Cancer Syndrome; Neoplastic Syndromes, Hereditary; Hereditary neoplastic syndrome; Tumor predisposition. Identifiers: Orphanet 140162, MedGen C0027672, MeSH D009386, MONDO:0015356.

Submission:

Ambry Genetics
Classification: Pathogenic for Hereditary cancer-predisposing syndrome. Last evaluated: 2014-07-24. Review status: criteria provided, single submitter. Criteria: Ambry Variant Classification Scheme 2023. Collection method: clinical testing. Allele origin: germline.
Comment: The c.481delG pathogenic mutation, located in coding exon 5 of the BMPR1A gene, results from a deletion of one nucleotide at position 481, causing a translational frameshift with a predicted alternate stop codon. Since frameshifts are typically deleterious in nature, this alteration is interpreted as a disease-causing mutation (ACMG Recommendations for Standards for Interpretation and Reporting of Sequence Variations. Revision 2007. Genet Med. 2008;10:294).